The following is an entry in ClinVar:

NM_030773.4(TUBB1):c.1267C>T (p.Gln423Ter)

Gene: TUBB1 (tubulin beta 1 class VI; plus strand). Cytogenetic location: 20q13.32.
Variant type: single nucleotide variant.
Coding change: c.1267C>T on transcript NM_030773.4 (MANE Select); coding-DNA position 1267, C replaced by T.
Protein change: p.Gln423Ter; replaces glutamine 423 with a stop codon.
Molecular consequence: nonsense.
Genome position (GRCh38, 1-based): chr20:59,024,694, C>T. VCF-style: chr20-59024694-C-T. GRCh37 (hg19) VCF-style: chr20-57599749-C-T.
Other names: TUBB1, GLN423TER (rs767041023); short protein forms Q423*.
Identifiers: ClinVar variation 1677273 (VCV001677273.8), dbSNP rs767041023, ClinGen allele CA9928688.

ClinVar aggregate classification (germline): Conflicting classifications of pathogenicity. Review status: criteria provided, conflicting classifications (1 of 4 stars). 4 submissions from 4 submitters: Pathogenic (2); Uncertain significance (1). 1 of the submissions does not count toward it. Last evaluated 2025-11-13.

Conditions:
Macrothrombocytopenia, isolated, 1, autosomal dominant (MACTHC1). Also called: Autosomal dominant macrothrombocytopenia TUBB1-related. Identifiers: Orphanet 140957, MedGen C5676892, MONDO:0800047, OMIM 613112.

Allele frequency attached by ClinVar (database versions not stated): gnomAD 0.00001; gnomAD exomes 0.00001; TOPMed 0.00001; ExAC 0.00002.
gnomAD v4.1: 13 of 1,613,816 alleles (0.00081%); highest among the groups gnomAD compares: Admixed American, 0.0033%; no homozygotes.

Submissions (4):

Labcorp Genetics (formerly Invitae), Labcorp
Classification: Uncertain significance. Last evaluated: 2025-11-13. Review status: criteria provided, single submitter. Criteria: Invitae Variant Classification Sherloc (09022015). Collection method: clinical testing. Allele origin: germline.
Comment: This sequence change creates a premature translational stop signal (p.Gln423*) in the TUBB1 gene. While this is not anticipated to result in nonsense mediated decay, it is expected to disrupt the last 29 amino acid(s) of the TUBB1 protein. This variant is present in population databases (rs767041023, gnomAD 0.007%). This premature translational stop signal has been observed in individual(s) with TUBB1-related conditions (PMID: 4516618, 27905099, 28983057, 34516618). It has also been observed to segregate with disease in related individuals. ClinVar contains an entry for this variant (Variation ID: 1677273). In summary, the available evidence is currently insufficient to determine the role of this variant in disease. Therefore, it has been classified as a Variant of Uncertain Significance.

Clinical Genetics Service, Universitary Hospital 12 de Octubre
Classification: Pathogenic for Macrothrombocytopenia, isolated, 1, autosomal dominant. Review status: criteria provided, single submitter. Criteria: ACMG Guidelines, 2015. Collection method: clinical testing. Allele origin: germline. Affected: yes.

ISTH-SSC Genomics in Thrombosis and Hemostasis, KU Leuven, Center for Molecular and Vascular Biology
Classification: Pathogenic for Macrothrombocytopenia, isolated, 1, autosomal dominant. Review status: criteria provided, single submitter. Criteria: ACMG Guidelines, 2015. Collection method: clinical testing. Allele origin: germline. Affected: yes. Observed: 4 heterozygotes. Clinical features observed: Macrothrombocytopenia.
Comment: Submitted to GoldVariant by Jose María Bastida and José Rivera; Grupo Español de Alteraciones Plaquetarias Congénitas (GEAPC)

OMIM
Classification: Pathogenic for MACROTHROMBOCYTOPENIA, ISOLATED, 1, AUTOSOMAL DOMINANT. Last evaluated: 2023-10-12. Review status: no assertion criteria provided. Collection method: literature only. Allele origin: germline. Not counted in ClinVar's aggregate classification.

Literature cited by the submitters: PubMed 4516618 (cited by Labcorp Genetics (formerly Invitae), Labcorp); PubMed 27905099 (cited by Labcorp Genetics (formerly Invitae), Labcorp and OMIM); PubMed 28983057 (cited by Labcorp Genetics (formerly Invitae), Labcorp and ISTH-SSC Genomics in Thrombosis and Hemostasis, KU Leuven, Center for Molecular and Vascular Biology); PubMed 34516618 (cited by Labcorp Genetics (formerly Invitae), Labcorp and OMIM).